The following is an entry in ClinVar:

ClinVar aggregate classification (germline): Uncertain significance (1 of 4 stars; one submission).

Conditions:
Oligodontia-cancer predisposition syndrome. Also called: TOOTH AGENESIS-COLORECTAL CANCER SYNDROME. Identifiers: Orphanet 300576, MedGen C1837750, MONDO:0012075, OMIM 608615. Disease mechanism: loss of function.

Submission:

Labcorp Genetics (formerly Invitae), Labcorp
Classification: Uncertain significance for Oligodontia-cancer predisposition syndrome. Last evaluated: 2022-04-06. Review status: criteria provided, single submitter. Criteria: Invitae Variant Classification Sherloc (09022015). Collection method: clinical testing. Allele origin: germline.
Comment: This variant is not present in population databases (gnomAD no frequency). This sequence change replaces serine, which is neutral and polar, with isoleucine, which is neutral and non-polar, at codon 636 of the AXIN2 protein (p.Ser636Ile). This variant also falls at the last nucleotide of exon 7, which is part of the consensus splice site for this exon. This variant has not been reported in the literature in individuals affected with AXIN2-related conditions. In summary, the available evidence is currently insufficient to determine the role of this variant in disease. Therefore, it has been classified as a Variant of Uncertain Significance. Variants that disrupt the consensus splice site are a relatively common cause of aberrant splicing (PMID: 17576681, 9536098). Algorithms developed to predict the effect of sequence changes on RNA splicing suggest that this variant may disrupt the consensus splice site. Algorithms developed to predict the effect of missense changes on protein structure and function are either unavailable or do not agree on the potential impact of this missense change (SIFT: "Tolerated"; PolyPhen-2: "Possibly Damaging"; Align-GVGD: "Class C0").

Literature cited by the submitters: PubMed 17576681; PubMed 9536098.

NM_004655.4(AXIN2):c.1907G>T (p.Ser636Ile)

Gene: AXIN2 (axin 2; minus strand). Cytogenetic location: 17q24.1.
Variant type: single nucleotide variant.
Coding change: c.1907G>T on transcript NM_004655.4 (MANE Select); coding-DNA position 1907, G replaced by T.
Protein change: p.Ser636Ile; replaces serine 636 with isoleucine.
Molecular consequence: missense variant. On other transcripts: intron variant (1).
Genome position (GRCh38, 1-based): chr17:65,536,869, C>A on the plus strand (G>T on the coding strand, the complement: AXIN2 is on the minus strand). VCF-style: chr17-65536869-C-A. GRCh37 (hg19) VCF-style: chr17-63532987-C-A.
Other names: c.1713-316G>T (NM_001363813.1); short protein forms S636I.
Identifiers: ClinVar variation 2122135 (VCV002122135.4), dbSNP rs1567754769, ClinGen allele CA400676371.